The following is an entry in ClinVar:

ClinVar aggregate classification (germline): Likely benign. Review status: criteria provided, multiple submitters, no conflicts (2 of 4 stars). 3 submissions from 3 submitters: Likely benign (3). Last evaluated 2026-08-25.

Conditions:
PCNT-related disorder. Also called: PCNT-related condition.

Allele frequency attached by ClinVar (database versions not stated): gnomAD exomes below 0.00001; ExAC 0.00002; gnomAD 0.00002; TOPMed 0.00004.
gnomAD v4.1: 11 of 1,614,150 alleles (0.00068%); highest among the groups gnomAD compares: East Asian, 0.022%; no homozygotes.

Submissions (3):

PreventionGenetics, part of Exact Sciences
Classification: Likely benign for PCNT-related condition. Last evaluated: 2026-08-25. Review status: criteria provided, single submitter. Criteria: ACMG Guidelines, 2015. Collection method: clinical testing. Allele origin: germline.
Comment: This variant is classified as likely benign based on ACMG/AMP sequence variant interpretation guidelines (Richards et al. 2015 PMID: 25741868, with internal and published modifications).

Blueprint Genetics
Classification: Likely benign. Last evaluated: 2024-11-27. Review status: criteria provided, single submitter. Criteria: ACMG Guidelines, 2015. Collection method: clinical testing. Allele origin: germline.

Labcorp Genetics (formerly Invitae), Labcorp
Classification: Likely benign. Last evaluated: 2024-02-23. Review status: criteria provided, single submitter. Criteria: Invitae Variant Classification Sherloc (09022015). Collection method: clinical testing. Allele origin: germline.

NM_006031.6(PCNT):c.4248A>G (p.Lys1416=)

Gene: PCNT (pericentrin; plus strand). Cytogenetic location: 21q22.3.
Variant type: single nucleotide variant.
Coding change: c.4248A>G on transcript NM_006031.6 (MANE Select); coding-DNA position 4248, A replaced by G.
Protein change: p.Lys1416=; no amino-acid change (lysine 1416 retained).
Molecular consequence: synonymous variant.
Genome position (GRCh38, 1-based): chr21:46,397,296, A>G. VCF-style: chr21-46397296-A-G. GRCh37 (hg19) VCF-style: chr21-47817210-A-G.
Other names: c.3894A>G, p.Lys1298= (NM_001315529.2); c.4248A>G (NM_006031.5).
Identifiers: ClinVar variation 2895349 (VCV002895349.5), dbSNP rs772298892, ClinGen allele CA10079588.
Genomic context (GRCh38, chr21:46,397,296, plus strand): 5'-CCCCGTGTCTGTCCTGTTTGCATCCTTAGCTCTCCGGAAGGAAGTGGAGGATCTGACCAA[A>G]GAACAGTCGGAGACCAGGAAGCAGGCTGAGAAGGACCGCTCAGCCCTGCTCTCCCAGATG-3'
Protein context (NP_006022.3, residues 1406-1426): ALRKEVEDLT[Lys1416=]EQSETRKQAE